The following is an entry in ClinVar:

NM_018389.5(SLC35C1):c.1004C>T (p.Ser335Phe)

Gene: SLC35C1 (solute carrier family 35 member C1; plus strand). Cytogenetic location: 11p11.2.
Variant type: single nucleotide variant.
Coding change: c.1004C>T on transcript NM_018389.5 (MANE Select); coding-DNA position 1004, C replaced by T.
Protein change: p.Ser335Phe; replaces serine 335 with phenylalanine.
Molecular consequence: missense variant.
Genome position (GRCh38, 1-based): chr11:45,811,244, C>T. VCF-style: chr11-45811244-C-T. GRCh37 (hg19) VCF-style: chr11-45832795-C-T.
Other names: c.965C>T, p.Ser322Phe (NM_001145265.2, NM_001145266.2); short protein forms S335F, S322F.
Identifiers: ClinVar variation 1958881 (VCV001958881.5), dbSNP rs1387353111, ClinGen allele CA380207171.

ClinVar aggregate classification (germline): Uncertain significance (1 of 4 stars; one submission).

Conditions:
Leukocyte adhesion deficiency type II. Also called: CDG IIc; CONGENITAL DISORDER OF GLYCOSYLATION, TYPE IIc; Congenital disorder of glycosylation type 2C; CDG 2C; Leukocyte adhesion deficiency type 2; Rambam Hasharon syndrome. Identifiers: Orphanet 2968, Orphanet 99843, MedGen C0398739, MONDO:0009953, OMIM 266265.

Allele frequency attached by ClinVar (database versions not stated): gnomAD exomes below 0.00001.

Submission:

Labcorp Genetics (formerly Invitae), Labcorp
Classification: Uncertain significance for Leukocyte adhesion deficiency type II. Last evaluated: 2023-11-27. Review status: criteria provided, single submitter. Criteria: Invitae Variant Classification Sherloc (09022015). Collection method: clinical testing. Allele origin: germline.
Comment: This sequence change replaces serine, which is neutral and polar, with phenylalanine, which is neutral and non-polar, at codon 335 of the SLC35C1 protein (p.Ser335Phe). This variant is present in population databases (no rsID available, gnomAD 0.003%). This variant has not been reported in the literature in individuals affected with SLC35C1-related conditions. ClinVar contains an entry for this variant (Variation ID: 1958881). Advanced modeling of protein sequence and biophysical properties (such as structural, functional, and spatial information, amino acid conservation, physicochemical variation, residue mobility, and thermodynamic stability) performed at Invitae indicates that this missense variant is not expected to disrupt SLC35C1 protein function with a negative predictive value of 80%. In summary, the available evidence is currently insufficient to determine the role of this variant in disease. Therefore, it has been classified as a Variant of Uncertain Significance.